The following is an entry in ClinVar:

ClinVar aggregate classification (germline): Benign (1 of 4 stars; one submission).

Conditions:
PMM2-congenital disorder of glycosylation. Also called: CDG Ia; JAEKEN SYNDROME; PHOSPHOMANNOMUTASE 2 DEFICIENCY; Congenital disorder of glycosylation, type Ia; CARBOHYDRATE-DEFICIENT GLYCOPROTEIN SYNDROME, TYPE Ia; PMM2-CDG. Identifiers: Orphanet 79318, MedGen C0349653, MONDO:0008907, OMIM 212065.

Allele frequency attached by ClinVar (database versions not stated): gnomAD exomes 0.00439; gnomAD 0.04143 and 0.04419; TOPMed 0.04715; 1000 Genomes Project 0.04972; 1000 Genomes Project 30x 0.05309.
gnomAD v4.1: 6,351 of 175,664 alleles (3.6%); highest among the groups gnomAD compares: African/African-American, 14%; 459 homozygotes.

Submission:

Illumina Laboratory Services, Illumina
Classification: Benign for PMM2-congenital disorder of glycosylation. Last evaluated: 2018-01-12. Review status: criteria provided, single submitter. Criteria: ICSL Variant Classification Criteria 13 December 2019. Collection method: clinical testing. Allele origin: germline.
Comment: This variant was observed in the ICSL laboratory as part of a predisposition screen in an ostensibly healthy population. It had not been previously curated by ICSL or reported in the Human Gene Mutation Database (HGMD: prior to June 1st, 2018), and was therefore a candidate for classification through an automated scoring system. Utilizing variant allele frequency, disease prevalence and penetrance estimates, and inheritance mode, an automated score was calculated to assess if this variant is too frequent to cause the disease. Based on the score and internal cut-off values, a variant classified as benign is not then subjected to further curation. The score for this variant resulted in a classification of benign for this disease.

NM_000303.3(PMM2):c.*560A>G

Gene: PMM2 (phosphomannomutase 2; plus strand). Cytogenetic location: 16p13.2.
Variant type: single nucleotide variant.
Coding change: c.*560A>G on transcript NM_000303.3 (MANE Select); 560 bases downstream of the stop codon, A replaced by G.
Molecular consequence: 3 prime UTR variant.
Genome position (GRCh38, 1-based): chr16:8,848,385, A>G. VCF-style: chr16-8848385-A-G. GRCh37 (hg19) VCF-style: chr16-8942242-A-G.
Identifiers: ClinVar variation 321243 (VCV000321243.5), dbSNP rs2447928, ClinGen allele CA10648326.